The following is an entry in ClinVar:

ClinVar aggregate classification (germline): Uncertain significance (1 of 4 stars; one submission).

Conditions:
Epileptic encephalopathy. Identifiers: MedGen C0543888, HP:0200134.

Allele frequency attached by ClinVar (database versions not stated): ExAC 0.00001; gnomAD exomes 0.00001; gnomAD 0.00002; TOPMed 0.00002.
gnomAD v4.1: 31 of 1,612,330 alleles (0.0019%); highest among the groups gnomAD compares: Non-Finnish European, 0.0024%; no homozygotes.

Submission:

Labcorp Genetics (formerly Invitae), Labcorp
Classification: Uncertain significance for Epileptic encephalopathy. Last evaluated: 2022-10-26. Review status: criteria provided, single submitter. Criteria: Invitae Variant Classification Sherloc (09022015). Collection method: clinical testing. Allele origin: germline.
Comment: In summary, the available evidence is currently insufficient to determine the role of this variant in disease. Therefore, it has been classified as a Variant of Uncertain Significance. Advanced modeling of protein sequence and biophysical properties (such as structural, functional, and spatial information, amino acid conservation, physicochemical variation, residue mobility, and thermodynamic stability) performed at Invitae indicates that this missense variant is not expected to disrupt RYR3 protein function. ClinVar contains an entry for this variant (Variation ID: 955488). This variant has not been reported in the literature in individuals affected with RYR3-related conditions. This variant is present in population databases (rs747723845, gnomAD 0.002%). This sequence change replaces proline, which is neutral and non-polar, with threonine, which is neutral and polar, at codon 1800 of the RYR3 protein (p.Pro1800Thr).

NM_001036.6(RYR3):c.5398C>A (p.Pro1800Thr)

Gene: RYR3 (ryanodine receptor 3; plus strand). Cytogenetic location: 15q14.
Variant type: single nucleotide variant.
Coding change: c.5398C>A on transcript NM_001036.6 (MANE Select); coding-DNA position 5398, C replaced by A.
Protein change: p.Pro1800Thr; replaces proline 1800 with threonine.
Molecular consequence: missense variant.
Genome position (GRCh38, 1-based): chr15:33,662,928, C>A. VCF-style: chr15-33662928-C-A. GRCh37 (hg19) VCF-style: chr15-33955129-C-A.
Other names: c.5398C>A, p.Pro1800Thr (NM_001243996.4); short protein forms P1800T.
Identifiers: ClinVar variation 955488 (VCV000955488.9), dbSNP rs747723845, ClinGen allele CA7459233.